The following is an entry in ClinVar:

ClinVar aggregate classification (germline): Pathogenic (1 of 4 stars; one submission).

Allele frequency attached by ClinVar (database versions not stated): gnomAD exomes 0.00001.
gnomAD v4.1: 6 of 1,614,008 alleles (0.00037%); highest among the groups gnomAD compares: Non-Finnish European, 0.00042%; no homozygotes.

Submission:

Labcorp Genetics (formerly Invitae), Labcorp
Classification: Pathogenic. Last evaluated: 2023-04-16. Review status: criteria provided, single submitter. Criteria: Invitae Variant Classification Sherloc (09022015). Collection method: clinical testing. Allele origin: germline.
Comment: This sequence change replaces tyrosine, which is neutral and polar, with aspartic acid, which is acidic and polar, at codon 1754 of the ABCA4 protein (p.Tyr1754Asp). This variant is not present in population databases (gnomAD no frequency). This missense change has been observed in individual(s) with Stargardt disease (PMID: 23143460). In at least one individual the data is consistent with being in trans (on the opposite chromosome) from a pathogenic variant. For these reasons, this variant has been classified as Pathogenic. Advanced modeling of protein sequence and biophysical properties (such as structural, functional, and spatial information, amino acid conservation, physicochemical variation, residue mobility, and thermodynamic stability) performed at Invitae indicates that this missense variant is expected to disrupt ABCA4 protein function.

Literature cited by the submitters: PubMed 23143460.

NM_000350.3(ABCA4):c.5260T>G (p.Tyr1754Asp)

Gene: ABCA4 (ATP binding cassette subfamily A member 4; minus strand). Cytogenetic location: 1p22.1.
Variant type: single nucleotide variant.
Coding change: c.5260T>G on transcript NM_000350.3 (MANE Select); coding-DNA position 5260, T replaced by G.
Protein change: p.Tyr1754Asp; replaces tyrosine 1754 with aspartic acid.
Molecular consequence: missense variant.
Genome position (GRCh38, 1-based): chr1:94,015,791, A>C on the plus strand (T>G on the coding strand, the complement: ABCA4 is on the minus strand). VCF-style: chr1-94015791-A-C. GRCh37 (hg19) VCF-style: chr1-94481347-A-C.
Other names: c.5038T>G, p.Tyr1680Asp (NM_001425324.1); short protein forms Y1680D, Y1754D.
Identifiers: ClinVar variation 2733919 (VCV002733919.3), dbSNP rs2523672443, ClinGen allele CA341281648.
Genomic context (GRCh38, chr1:94,015,791, plus strand): 5'-CGGCTTACCCATACAGCAGGAGCAGTGCCACAAGGGCAGGAAGGTTTTCTGGAGAAGTGT[A>C]GGCTTTCTTCTGAAACCCGATGAAGATGCCCACCACCAGCCCAGCACTCACGGAATAATT-3'
Protein context (NP_000341.2, residues 1744-1764): GIFIGFQKKA[Tyr1754Asp]TSPENLPALV